The following is an entry in ClinVar:

NM_000284.4(PDHA1):c.406G>T (p.Ala136Ser)

Gene: PDHA1 (pyruvate dehydrogenase E1 subunit alpha 1; plus strand). Cytogenetic location: Xp22.12.
Variant type: single nucleotide variant.
Coding change: c.406G>T on transcript NM_000284.4 (MANE Select); coding-DNA position 406, G replaced by T.
Protein change: p.Ala136Ser; replaces alanine 136 with serine.
Molecular consequence: missense variant.
Genome position (GRCh38, 1-based): chrX:19,351,395, G>T. VCF-style: chrX-19351395-G-T. GRCh37 (hg19) VCF-style: chrX-19369513-G-T.
Other names: c.520G>T, p.Ala174Ser (NM_001173454.2); c.427G>T, p.Ala143Ser (NM_001173455.2); c.406G>T, p.Ala136Ser (NM_001173456.2); short protein forms A136S, A143S, A174S.
Identifiers: ClinVar variation 4536129 (VCV004536129.1).

ClinVar aggregate classification (germline): Uncertain significance (1 of 4 stars; one submission).

Submission:

Women's Health and Genetics/Laboratory Corporation of America, LabCorp
Classification: Uncertain significance. Last evaluated: 2025-09-18. Review status: criteria provided, single submitter. Criteria: LabCorp Variant Classification Summary - May 2015. Collection method: clinical testing. Allele origin: germline.
Comment: Variant summary: PDHA1 c.406G>T (p.Ala136Ser) results in a conservative amino acid change in the encoded protein sequence. Algorithms developed to predict the effect of missense changes on protein structure and function are either unavailable or do not agree on the potential impact of this missense change. The variant was absent in 182146 control chromosomes. The available data on variant occurrences in the general population are insufficient to allow any conclusion about variant significance. To our knowledge, no occurrence of c.406G>T in individuals affected with PDHA1-related conditions and no experimental evidence demonstrating its impact on protein function have been reported. No submitters have cited clinical-significance assessments for this variant to ClinVar. Based on the evidence outlined above, the variant was classified as uncertain significance.